The following is an entry in ClinVar:

ClinVar aggregate classification (germline): Uncertain significance (1 of 4 stars; one submission).

Allele frequency attached by ClinVar (database versions not stated): TOPMed below 0.00001.

Submission:

Labcorp Genetics (formerly Invitae), Labcorp
Classification: Uncertain significance. Last evaluated: 2022-02-10. Review status: criteria provided, single submitter. Criteria: Invitae Variant Classification Sherloc (09022015). Collection method: clinical testing. Allele origin: germline.
Comment: In summary, the available evidence is currently insufficient to determine the role of this variant in disease. Therefore, it has been classified as a Variant of Uncertain Significance. Algorithms developed to predict the effect of missense changes on protein structure and function are either unavailable or do not agree on the potential impact of this missense change (SIFT: "Deleterious"; PolyPhen-2: "Possibly Damaging"; Align-GVGD: "Class C0"). This variant has not been reported in the literature in individuals affected with FUK-related conditions. This variant is not present in population databases (gnomAD no frequency). This sequence change replaces arginine, which is basic and polar, with leucine, which is neutral and non-polar, at codon 523 of the FUK protein (p.Arg523Leu).

NM_145059.3(FCSK):c.1568G>T (p.Arg523Leu)

Gene: FCSK (fucose kinase; plus strand). Cytogenetic location: 16q22.1.
Variant type: single nucleotide variant.
Coding change: c.1568G>T on transcript NM_145059.3 (MANE Select); coding-DNA position 1568, G replaced by T.
Protein change: p.Arg523Leu; replaces arginine 523 with leucine.
Molecular consequence: missense variant.
Genome position (GRCh38, 1-based): chr16:70,473,144, G>T. VCF-style: chr16-70473144-G-T. GRCh37 (hg19) VCF-style: chr16-70507047-G-T.
Other names: short protein forms R523L.
Identifiers: ClinVar variation 1682375 (VCV001682375.6), dbSNP rs772244985, ClinGen allele CA396570473.